The following is an entry in ClinVar:

NM_003718.5(CDK13):c.1401C>T (p.Ala467=)

Gene: CDK13 (cyclin dependent kinase 13; plus strand). Cytogenetic location: 7p14.1.
Variant type: single nucleotide variant.
Coding change: c.1401C>T on transcript NM_003718.5 (MANE Select); coding-DNA position 1401, C replaced by T.
Protein change: p.Ala467=; no amino-acid change (alanine 467 retained).
Molecular consequence: synonymous variant.
Genome position (GRCh38, 1-based): chr7:39,987,788, C>T. VCF-style: chr7-39987788-C-T. GRCh37 (hg19) VCF-style: chr7-40027387-C-T.
Other names: c.1401C>T, p.Ala467= (NM_031267.4).
Identifiers: ClinVar variation 725031 (VCV000725031.32), dbSNP rs137937704, ClinGen allele CA4228485.

ClinVar aggregate classification (germline): Likely benign. Review status: criteria provided, multiple submitters, no conflicts (2 of 4 stars). 3 submissions from 3 submitters: Likely benign (3). Last evaluated 2026-07-01.

Allele frequency attached by ClinVar (database versions not stated): gnomAD 0.00003; gnomAD exomes 0.00004 and 0.00008; TOPMed 0.00007; ExAC 0.00008; ESP Exome Variant Server 0.00008.
gnomAD v4.1: 69 of 1,613,674 alleles (0.0043%); highest among the groups gnomAD compares: Middle Eastern, 0.033%; no homozygotes.

Submissions (3):

CeGaT Center for Human Genetics Tuebingen
Classification: Likely benign. Last evaluated: 2026-07-01. Review status: criteria provided, single submitter. Criteria: CeGaT Center For Human Genetics Tuebingen Variant Classification Criteria Version 2. Collection method: clinical testing. Allele origin: germline. Affected: yes. Observed: 4 variant alleles.
Comment: CDK13: BP4, BP7

Labcorp Genetics (formerly Invitae), Labcorp
Classification: Likely benign. Last evaluated: 2025-12-21. Review status: criteria provided, single submitter. Criteria: Invitae Variant Classification Sherloc (09022015). Collection method: clinical testing. Allele origin: germline.

Blueprint Genetics
Classification: Likely benign. Last evaluated: 2024-06-05. Review status: criteria provided, single submitter. Criteria: ACMG Guidelines, 2015. Collection method: clinical testing. Allele origin: germline.